The following is an entry in ClinVar:

ClinVar aggregate classification (germline): Uncertain significance (1 of 4 stars; one submission).

Submission:

GeneDx
Classification: Uncertain significance. Last evaluated: 2025-05-21. Review status: criteria provided, single submitter. Criteria: GeneDx Variant Classification Process June 2021. Collection method: clinical testing. Allele origin: germline.
Comment: Not observed at significant frequency in large population cohorts (gnomAD); In silico analysis supports that this missense variant has a deleterious effect on protein structure/function; Has not been previously published as pathogenic or benign to our knowledge

NM_014225.6(PPP2R1A):c.1190T>C (p.Ile397Thr)

Gene: PPP2R1A (protein phosphatase 2 scaffold subunit Aalpha; plus strand). Cytogenetic location: 19q13.41.
Variant type: single nucleotide variant.
Coding change: c.1190T>C on transcript NM_014225.6 (MANE Select); coding-DNA position 1190, T replaced by C.
Protein change: p.Ile397Thr; replaces isoleucine 397 with threonine.
Molecular consequence: missense variant. On other transcripts: non-coding transcript variant (1).
Genome position (GRCh38, 1-based): chr19:52,219,752, T>C. VCF-style: chr19-52219752-T-C. GRCh37 (hg19) VCF-style: chr19-52723005-T-C.
Other names: c.653T>C, p.Ile218Thr (NM_001363656.2); short protein forms I218T, I397T.
Identifiers: ClinVar variation 3392784 (VCV003392784.2).